The following is an entry in ClinVar:

ClinVar aggregate classification (germline): Uncertain significance (1 of 4 stars; one submission).

Conditions:
Mucopolysaccharidosis, MPS-III-A (MPS3A). Also called: HEPARAN SULFATE SULFATASE DEFICIENCY; SANFILIPPO SYNDROME A; SULFAMIDASE DEFICIENCY; MPS III A; Mucopolysaccharidosis type IIIA (Sanfilippo A); Mucopolysaccharidosis, type IIIA. Identifiers: Orphanet 581, Orphanet 79269, MedGen C0086647, MONDO:0009655, OMIM 252900.

Submission:

Labcorp Genetics (formerly Invitae), Labcorp
Classification: Uncertain significance for Mucopolysaccharidosis, MPS-III-A. Last evaluated: 2023-05-15. Review status: criteria provided, single submitter. Criteria: Invitae Variant Classification Sherloc (09022015). Collection method: clinical testing. Allele origin: germline.
Comment: This variant has not been reported in the literature in individuals affected with SGSH-related conditions. This variant is not present in population databases (gnomAD no frequency). This sequence change replaces serine, which is neutral and polar, with glycine, which is neutral and non-polar, at codon 69 of the SGSH protein (p.Ser69Gly). ClinVar contains an entry for this variant (Variation ID: 1973681). In summary, the available evidence is currently insufficient to determine the role of this variant in disease. Therefore, it has been classified as a Variant of Uncertain Significance. Advanced modeling of protein sequence and biophysical properties (such as structural, functional, and spatial information, amino acid conservation, physicochemical variation, residue mobility, and thermodynamic stability) performed at Invitae indicates that this missense variant is expected to disrupt SGSH protein function.

NM_000199.5(SGSH):c.205A>G (p.Ser69Gly)

Gene: SGSH (N-sulfoglucosamine sulfohydrolase; minus strand). Cytogenetic location: 17q25.3.
Variant type: single nucleotide variant.
Coding change: c.205A>G on transcript NM_000199.5 (MANE Select); coding-DNA position 205, A replaced by G.
Protein change: p.Ser69Gly; replaces serine 69 with glycine.
Molecular consequence: missense variant. On other transcripts: non-coding transcript variant (1).
Genome position (GRCh38, 1-based): chr17:80,217,076, T>C on the plus strand (A>G on the coding strand, the complement: SGSH is on the minus strand). VCF-style: chr17-80217076-T-C. GRCh37 (hg19) VCF-style: chr17-78190875-T-C.
Other names: c.205A>G, p.Ser69Gly (NM_001352921.3, NM_001352922.2); short protein forms S69G.
Identifiers: ClinVar variation 1973681 (VCV001973681.3), dbSNP rs2510909401, ClinGen allele CA401364214.
Genomic context (GRCh38, chr17:80,217,076, plus strand): 5'-GCCCCTTGCACCTCACCTGGGGCAGGCCAGTGAGGAGGCTGGCGCGGCTGGGAGAGCAGC[T>C]GCTGACCGAGGTGAAGGCATTGCGAAAGAGGAGGCTGCGGCGGGCCAAGGCGTCCAGGTG-3'
Protein context (NP_000190.1, residues 59-79): LFRNAFTSVS[Ser69Gly]CSPSRASLLT